The following is an entry in ClinVar:

ClinVar aggregate classification (germline): Conflicting classifications of pathogenicity. Review status: criteria provided, conflicting classifications (1 of 4 stars). 6 submissions from 6 submitters: Uncertain significance (5); Benign (1). Last evaluated 2025-11-14.

Conditions:
Tuberous sclerosis 2 (TSC2). Identifiers: Orphanet 805, MedGen C1860707, MONDO:0013199, OMIM 613254.
Hereditary cancer-predisposing syndrome. Also called: Neoplastic Syndromes, Hereditary; Hereditary neoplastic syndrome; Hereditary Cancer Syndrome; Tumor predisposition. Identifiers: Orphanet 140162, MedGen C0027672, MeSH D009386, MONDO:0015356.
Lymphangiomyomatosis (LAM). Also called: Lymphangioleiomyomatosis, somatic; Lymphangioleiomyomatosis. Identifiers: Orphanet 538, MedGen C0751674, MONDO:0011705, OMIM 606690.
Isolated focal cortical dysplasia type II (FCORD2). Also called: Focal cortical dysplasia type II; CORTICAL DYSPLASIA OF TAYLOR. Identifiers: Orphanet 268994, MedGen C1846385, MONDO:0011818, OMIM 607341, HP:0032051.
Tuberous sclerosis syndrome (TSC). Also called: Tuberous Sclerosis Complex; Tuberous sclerosis. Identifiers: Orphanet 805, MedGen C0041341, MONDO:0001734.

Allele frequency attached by ClinVar (database versions not stated): gnomAD exomes below 0.00001 and 0.00001; ExAC 0.00001; gnomAD 0.00001.

Submissions (6):

Labcorp Genetics (formerly Invitae), Labcorp
Classification: Benign for Tuberous sclerosis 2. Last evaluated: 2025-11-14. Review status: criteria provided, single submitter. Criteria: Invitae Variant Classification Sherloc (09022015). Collection method: clinical testing. Allele origin: germline.

Ambry Genetics
Classification: Uncertain significance for Hereditary cancer-predisposing syndrome. Last evaluated: 2025-04-04. Review status: criteria provided, single submitter. Criteria: Ambry Variant Classification Scheme 2023. Collection method: clinical testing. Allele origin: germline.
Comment: The p.T382I variant (also known as c.1145C>T), located in coding exon 11 of the TSC2 gene, results from a C to T substitution at nucleotide position 1145. The threonine at codon 382 is replaced by isoleucine, an amino acid with similar properties. This amino acid position is conserved. In addition, the in silico prediction for this alteration is inconclusive. Since supporting evidence is limited at this time, the clinical significance of this alteration remains unclear.

Genome-Nilou Lab
Classification: Uncertain significance for Tuberous sclerosis 2. Last evaluated: 2021-11-07. Review status: criteria provided, single submitter. Criteria: ACMG Guidelines, 2015. Collection method: clinical testing. Allele origin: germline. Affected: no.

Fulgent Genetics
Classification: Uncertain significance for Lymphangiomyomatosis; Isolated focal cortical dysplasia type II; Tuberous sclerosis 2. Last evaluated: 2021-11-05. Review status: criteria provided, single submitter. Criteria: ACMG Guidelines, 2015. Collection method: clinical testing. Allele origin: unknown.

St. Jude Molecular Pathology, St. Jude Children's Research Hospital
Classification: Uncertain significance for Tuberous sclerosis syndrome. Last evaluated: 2021-08-03. Review status: criteria provided, single submitter. Criteria: St. Jude Assertion Criteria 2020. Collection method: clinical testing. Allele origin: germline.

Eurofins Ntd Llc (ga)
Classification: Uncertain significance. Last evaluated: 2018-03-29. Review status: criteria provided, single submitter. Criteria: EGL ClinVar v180209 classification definitions. Collection method: clinical testing. Allele origin: germline. Observed: 1 variant allele, 1 heterozygote.

NM_000548.5(TSC2):c.1145C>T (p.Thr382Ile)

Gene: TSC2 (TSC complex subunit 2; plus strand). Cytogenetic location: 16p13.3.
Variant type: single nucleotide variant.
Coding change: c.1145C>T on transcript NM_000548.5 (MANE Select); coding-DNA position 1145, C replaced by T.
Protein change: p.Thr382Ile; replaces threonine 382 with isoleucine.
Molecular consequence: missense variant.
Genome position (GRCh38, 1-based): chr16:2,061,896, C>T. VCF-style: chr16-2061896-C-T. GRCh37 (hg19) VCF-style: chr16-2111897-C-T.
Other names: c.1145C>T, p.Thr382Ile (NM_001077183.3, NM_001114382.3, NM_001363528.2 and 3 more transcripts); c.1034C>T, p.Thr345Ile (NM_001318827.2); c.998C>T, p.Thr333Ile (NM_001318829.2); c.545C>T, p.Thr182Ile (NM_001318831.2); c.1178C>T, p.Thr393Ile (NM_001318832.2); short protein forms T382I, T393I, T333I, T182I, T345I.
Identifiers: ClinVar variation 596501 (VCV000596501.20), dbSNP rs758511419, ClinGen allele CA028620.